The following is an entry in ClinVar:

NM_024734.4(CLMN):c.370C>G (p.Pro124Ala)

Gene: CLMN (calmin; minus strand). Cytogenetic location: 14q32.13.
Variant type: single nucleotide variant.
Coding change: c.370C>G on transcript NM_024734.4 (MANE Select); coding-DNA position 370, C replaced by G.
Protein change: p.Pro124Ala; replaces proline 124 with alanine.
Molecular consequence: missense variant.
Genome position (GRCh38, 1-based): chr14:95,215,688, G>C on the plus strand (C>G on the coding strand, the complement: CLMN is on the minus strand). VCF-style: chr14-95215688-G-C. GRCh37 (hg19) VCF-style: chr14-95682025-G-C.
Other names: short protein forms P124A.
Identifiers: ClinVar variation 740265 (VCV000740265.6), dbSNP rs151018579, ClinGen allele CA7332468.
Genomic context (GRCh38, chr14:95,215,688, plus strand): 5'-GAAATGATCTTACCTGGAAGAAGAGGATTATGTTCCATATCAGCCCAAGAACCAAAGAAG[G>C]GTTGCCATCTGCTATTTCTGCTGCATCAATGCTAACCAGTTTTACCTGGAGGGAAGCAAT-3'
Protein context (NP_079010.2, residues 114-134): IDAAEIADGN[Pro124Ala]SLVLGLIWNI

ClinVar aggregate classification (germline): Likely benign. Review status: criteria provided, multiple submitters, no conflicts (2 of 4 stars). 3 submissions from 3 submitters: Likely benign (2). 1 of the submissions does not count toward it. Last evaluated 2018-07-16.

Conditions:
CLMN-related disorder. Also called: CLMN-related condition.

Allele frequency attached by ClinVar (database versions not stated): gnomAD exomes 0.00011 and 0.00033; ExAC 0.00040; 1000 Genomes Project 30x 0.00062; 1000 Genomes Project 0.00080; gnomAD 0.00132 and 0.00143; ESP Exome Variant Server 0.00161; TOPMed 0.00169.
gnomAD v4.1: 369 of 1,614,128 alleles (0.023%); highest among the groups gnomAD compares: African/African-American, 0.43%; no homozygotes.

Submissions (3):

Labcorp Genetics (formerly Invitae), Labcorp
Classification: Likely benign. Last evaluated: 2018-07-16. Review status: criteria provided, single submitter. Criteria: Invitae Variant Classification Sherloc (09022015). Collection method: clinical testing. Allele origin: germline.

Breakthrough Genomics
Classification: Likely benign. Review status: criteria provided, single submitter. Criteria: ACMG Guidelines, 2015. Collection method: not provided. Allele origin: germline. Inheritance: Unknown mechanism. Affected: yes.

PreventionGenetics, part of Exact Sciences
Classification: Likely benign for CLMN-related condition. Last evaluated: 2022-06-14. Review status: no assertion criteria provided. Collection method: clinical testing. Allele origin: germline. Not counted in ClinVar's aggregate classification.
Comment: This variant is classified as likely benign based on ACMG/AMP sequence variant interpretation guidelines (Richards et al. 2015 PMID: 25741868, with internal and published modifications).